The following is an entry in ClinVar:

ClinVar aggregate classification (germline): Uncertain significance (1 of 4 stars; one submission).

Conditions:
Gingival disorder. Also called: Gingival disease. Identifiers: MedGen C0017563, MONDO:0002021.

Submission:

Labcorp Genetics (formerly Invitae), Labcorp
Classification: Uncertain significance for Gingival disorder. Last evaluated: 2023-06-25. Review status: criteria provided, single submitter. Criteria: Invitae Variant Classification Sherloc (09022015). Collection method: clinical testing. Allele origin: germline.
Comment: In summary, the available evidence is currently insufficient to determine the role of this variant in disease. Therefore, it has been classified as a Variant of Uncertain Significance. An algorithm developed to predict the effect of missense changes on protein structure and function (PolyPhen-2) suggests that this variant is likely to be disruptive. This variant has not been reported in the literature in individuals affected with FPR1-related conditions. This variant is not present in population databases (gnomAD no frequency). This sequence change replaces serine, which is neutral and polar, with cysteine, which is neutral and slightly polar, at codon 19 of the FPR1 protein (p.Ser19Cys).

NM_002029.4(FPR1):c.56C>G (p.Ser19Cys)

Gene: FPR1 (formyl peptide receptor 1; minus strand). Cytogenetic location: 19q13.41.
Variant type: single nucleotide variant.
Coding change: c.56C>G on transcript NM_002029.4 (MANE Select); coding-DNA position 56, C replaced by G.
Protein change: p.Ser19Cys; replaces serine 19 with cysteine.
Molecular consequence: missense variant.
Genome position (GRCh38, 1-based): chr19:51,746,939, G>C on the plus strand (C>G on the coding strand, the complement: FPR1 is on the minus strand). VCF-style: chr19-51746939-G-C. GRCh37 (hg19) VCF-style: chr19-52250192-G-C.
Other names: c.56C>G, p.Ser19Cys (NM_001193306.2); short protein forms S19C.
Identifiers: ClinVar variation 2796126 (VCV002796126.3), dbSNP rs1568637657, ClinGen allele CA407121364.